The following is an entry in ClinVar:

ClinVar aggregate classification (germline): Likely benign. Review status: criteria provided, multiple submitters, no conflicts (2 of 4 stars). 2 submissions from 2 submitters: Likely benign (2). Last evaluated 2026-01-08.

Conditions:
Neuromuscular disease caused by qualitative or quantitative defects of dysferlin. Also called: Qualitative or quantitative defects of dysferlin; Dysferlinopathy. Identifiers: Orphanet 207073, MedGen C2931687, MONDO:0016145.

Allele frequency attached by ClinVar (database versions not stated): ExAC 0.00002; gnomAD 0.00003; gnomAD exomes 0.00003; TOPMed 0.00005; ESP Exome Variant Server 0.00008.
gnomAD v4.1: 55 of 1,614,050 alleles (0.0034%); highest among the groups gnomAD compares: Middle Eastern, 0.016%; no homozygotes.

Submissions (2):

Labcorp Genetics (formerly Invitae), Labcorp
Classification: Likely benign for Neuromuscular disease caused by qualitative or quantitative defects of dysferlin. Last evaluated: 2026-01-08. Review status: criteria provided, single submitter. Criteria: Invitae Variant Classification Sherloc (09022015). Collection method: clinical testing. Allele origin: germline.

Women's Health and Genetics/Laboratory Corporation of America, LabCorp
Classification: Likely benign. Last evaluated: 2021-07-09. Review status: criteria provided, single submitter. Criteria: LabCorp Variant Classification Summary - May 2015. Collection method: clinical testing. Allele origin: germline.
Comment: Variant summary: DYSF c.4968C>T alters a non-conserved nucleotide resulting in a synonymous change. 4/4 computational tools predict no significant impact on normal splicing. However, these predictions have yet to be confirmed by functional studies. The variant allele was found at a frequency of 4.3e-05 in 396220 control chromosomes. This frequency is not higher than the maximum expected for a pathogenic variant in DYSF causing Limb-Girdle Muscular Dystrophy, Autosomal Recessive (4.3e-05 vs 0.0031), allowing no conclusion about variant significance. To our knowledge, no occurrence of c.4968C>T in individuals affected with Limb-Girdle Muscular Dystrophy, Autosomal Recessive and no experimental evidence demonstrating its impact on protein function have been reported. One clinical diagnostic laboratory has submitted clinical-significance assessments for this variant to ClinVar after 2014 without evidence for independent evaluation, and classified the variant as likely benign. Based on the evidence outlined above, the variant was classified as likely benign.

NM_001130987.2(DYSF):c.5085C>T (p.Asp1695=)

Gene: DYSF (dysferlin; plus strand). Cytogenetic location: 2p13.2.
Variant type: single nucleotide variant.
Coding change: c.5085C>T on transcript NM_001130987.2 (MANE Select); coding-DNA position 5085, C replaced by T.
Protein change: p.Asp1695=; no amino-acid change (aspartic acid 1695 retained).
Molecular consequence: synonymous variant.
Genome position (GRCh38, 1-based): chr2:71,664,349, C>T. VCF-style: chr2-71664349-C-T. GRCh37 (hg19) VCF-style: chr2-71891479-C-T.
Other names: c.4971C>T, p.Asp1657= (NM_001130455.2); c.4926C>T, p.Asp1642= (NM_001130976.2); c.4989C>T, p.Asp1663= (NM_001130977.2); c.5031C>T, p.Asp1677= (NM_001130978.2); c.5061C>T, p.Asp1687= (NM_001130979.2); c.5019C>T, p.Asp1673= (NM_001130980.2); c.5082C>T, p.Asp1694= (NM_001130981.2); c.5064C>T, p.Asp1688= (NM_001130982.2); and 5 more.
Identifiers: ClinVar variation 706852 (VCV000706852.11), dbSNP rs375326769, ClinGen allele CA1707237.